The following is an entry in ClinVar:

NM_138927.4(SON):c.1834_1843del (p.Ser612fs)

Gene: SON (SON DNA and RNA binding protein; plus strand). Cytogenetic location: 21q22.11.
Variant type: Deletion.
Coding change: c.1834_1843del on transcript NM_138927.4 (MANE Select); coding-DNA positions 1834 to 1843, 10 bases deleted (TCTGGGGCAG; older notation c.1834_1843delTCTGGGGCAG).
Protein change: p.Ser612fs; shifts the reading frame from serine 612.
Molecular consequence: frameshift variant. On other transcripts: non-coding transcript variant (1), intron variant (1).
Genome position (GRCh38, 1-based): chr21:33,551,065-33,551,074, TCTGGGGCAG deleted; deleting any 10 consecutive bases within chr21:33,551,058-33,551,074 gives the same sequence; the c. name uses the placement nearest the transcript's 3' end. VCF-style (leftmost placement, unchanged base first): chr21-33551057-CGGGGCAGTCT-C. GRCh37 (hg19) VCF-style: chr21-34923363-CGGGGCAGTCT-C.
Other names: c.1834_1843del, p.Ser612fs (NM_001291411.2, NM_032195.3); c.244+4686_244+4695del (NM_001291412.3); c.1834_1843delTCTGGGGCAG (NM_032195.2); short protein forms S612fs.
Identifiers: ClinVar variation 504228 (VCV000504228.2), dbSNP rs1555898374, ClinGen allele CA658799419.

ClinVar aggregate classification (germline): Pathogenic (1 of 4 stars; one submission).

Submission:

GeneDx
Classification: Pathogenic. Last evaluated: 2018-02-06. Review status: criteria provided, single submitter. Criteria: GeneDx Variant Classification (06012015). Collection method: clinical testing. Allele origin: germline. Affected: yes.
Comment: The c.1834_1843del10 variant in the SON gene has not been reported previously as a pathogenic variant nor as a benign variant, to our knowledge. The c.1834_1843del10 variant causes a frameshift starting with codon Serine 612, changes this amino acid to a Leucine residue, and creates a premature Stop codon at position 45 of the new reading frame, denoted p.Ser612LeufsX45. This variant is predicted to cause loss of normal protein function either through protein truncation or nonsense-mediated mRNA decay. The c.1834_1843del10 variant is not observed in large population cohorts (Lek et al., 2016). We interpret c.1834_1843del10 as a pathogenic variant.